The following is an entry in ClinVar:

NM_173728.4(ARHGEF15):c.2510A>G (p.Asn837Ser)

Gene: ARHGEF15 (Rho guanine nucleotide exchange factor 15; plus strand). Cytogenetic location: 17p13.1.
Variant type: single nucleotide variant.
Coding change: c.2510A>G on transcript NM_173728.4 (MANE Select); coding-DNA position 2510, A replaced by G.
Protein change: p.Asn837Ser; replaces asparagine 837 with serine.
Molecular consequence: missense variant.
Genome position (GRCh38, 1-based): chr17:8,320,977, A>G. VCF-style: chr17-8320977-A-G. GRCh37 (hg19) VCF-style: chr17-8224295-A-G.
Other names: c.2510A>G, p.Asn837Ser (NM_025014.2); short protein forms N837S.
Identifiers: ClinVar variation 2200491 (VCV002200491.4), dbSNP rs1905351891, ClinGen allele CA398026168.

ClinVar aggregate classification (germline): Uncertain significance (1 of 4 stars; one submission).

Conditions:
Early-infantile DEE. Also called: Early infantile epileptic encephalopathy with suppression bursts; Early infantile epileptic encephalopathy; Ohtahara syndrome. Identifiers: Orphanet 1934, MedGen C0393706, MONDO:0800491.

Allele frequency attached by ClinVar (database versions not stated): TOPMed below 0.00001; gnomAD exomes 0.00001.
gnomAD v4.1: 8 of 1,613,704 alleles (0.0005%); highest among the groups gnomAD compares: South Asian, 0.0011%; no homozygotes.

Submission:

Labcorp Genetics (formerly Invitae), Labcorp
Classification: Uncertain significance for Early-infantile DEE. Last evaluated: 2023-10-03. Review status: criteria provided, single submitter. Criteria: Invitae Variant Classification Sherloc (09022015). Collection method: clinical testing. Allele origin: germline.
Comment: This sequence change replaces asparagine, which is neutral and polar, with serine, which is neutral and polar, at codon 837 of the ARHGEF15 protein (p.Asn837Ser). This variant is not present in population databases (gnomAD no frequency). This variant has not been reported in the literature in individuals affected with ARHGEF15-related conditions. ClinVar contains an entry for this variant (Variation ID: 2200491). Algorithms developed to predict the effect of missense changes on protein structure and function output the following: SIFT: "Not Available"; PolyPhen-2: "Benign"; Align-GVGD: "Not Available". The serine amino acid residue is found in multiple mammalian species, which suggests that this missense change does not adversely affect protein function. In summary, the available evidence is currently insufficient to determine the role of this variant in disease. Therefore, it has been classified as a Variant of Uncertain Significance.